The following is an entry in ClinVar:

ClinVar aggregate classification (germline): Pathogenic. Review status: criteria provided, single submitter (1 of 4 stars). 2 submissions from 2 submitters: Pathogenic (1). 1 of the submissions does not count toward it. Last evaluated 2021-11-22.

Conditions:
Alternating hemiplegia of childhood 2 (AHC2). Also called: Alternating Hemiplegia of Childhood (AHC). Identifiers: Orphanet 2131, MedGen C3553788, MONDO:0013900, OMIM 614820.
Dystonia 12 (DYT12). Also called: DYT-ATP1A3; Rapid-Onset Dystonia-Parkinsonism (RDP). Identifiers: Orphanet 71517, MedGen C1868681, MONDO:0007496, OMIM 128235.

Submissions (2):

Labcorp Genetics (formerly Invitae), Labcorp
Classification: Pathogenic for Dystonia 12. Last evaluated: 2021-11-22. Review status: criteria provided, single submitter. Criteria: Invitae Variant Classification Sherloc (09022015). Collection method: clinical testing. Allele origin: germline.
Comment: This sequence change affects a donor splice site in intron 18 of the ATP1A3 gene. It is expected to disrupt RNA splicing. Variants that disrupt the donor or acceptor splice site typically lead to a loss of protein function (PMID: 16199547), and loss-of-function variants in ATP1A3 are known to be pathogenic (PMID: 24631656, 24983657). This variant is not present in population databases (gnomAD no frequency). Disruption of this splice site has been observed in individual(s) with alternating hemiplegia of childhood (PMID: 22850527, 27146299). In at least one individual the variant was observed to be de novo. ClinVar contains an entry for this variant (Variation ID: 161145). Algorithms developed to predict the effect of sequence changes on RNA splicing suggest that this variant may disrupt the consensus splice site. For these reasons, this variant has been classified as Pathogenic.

OMIM
Classification: Pathogenic for ALTERNATING HEMIPLEGIA OF CHILDHOOD 2. Last evaluated: 2012-09-01. Review status: no assertion criteria provided. Collection method: literature only. Allele origin: germline. Not counted in ClinVar's aggregate classification.

Literature cited by the submitters: PubMed 16199547 (cited by Labcorp Genetics (formerly Invitae), Labcorp); PubMed 24631656 (cited by Labcorp Genetics (formerly Invitae), Labcorp); PubMed 24983657 (cited by Labcorp Genetics (formerly Invitae), Labcorp); PubMed 22850527 (cited by Labcorp Genetics (formerly Invitae), Labcorp and OMIM); PubMed 27146299 (cited by Labcorp Genetics (formerly Invitae), Labcorp).

NM_152296.5(ATP1A3):c.2542+1G>A

Gene: ATP1A3 (ATPase Na+/K+ transporting subunit alpha 3; minus strand). Cytogenetic location: 19q13.2.
Variant type: single nucleotide variant.
Coding change: c.2542+1G>A on transcript NM_152296.5 (MANE Select); the canonical splice donor site of the intron after coding-DNA position 2542, G replaced by A.
Molecular consequence: splice donor variant.
Genome position (GRCh38, 1-based): chr19:41,970,184, C>T on the plus strand (G>A on the coding strand, the complement: ATP1A3 is on the minus strand). VCF-style: chr19-41970184-C-T. GRCh37 (hg19) VCF-style: chr19-42474336-C-T.
Other names: IVS18DS, G-A, +1; c.2581+1G>A (NM_001256214.2); c.2575+1G>A (NM_001256213.2).
Identifiers: ClinVar variation 161145 (VCV000161145.8), dbSNP rs606231441, ClinGen allele CA346031.